The following is an entry in ClinVar:

ClinVar aggregate classification (germline): Likely benign (0 of 4 stars; one submission).

Conditions:
ZBTB7A-related disorder. Also called: ZBTB7A-related condition.

Submission:

PreventionGenetics, part of Exact Sciences
Classification: Likely benign for ZBTB7A-related condition. Last evaluated: 2024-06-27. Review status: no assertion criteria provided. Collection method: clinical testing. Allele origin: germline.
Comment: This variant is classified as likely benign based on ACMG/AMP sequence variant interpretation guidelines (Richards et al. 2015 PMID: 25741868, with internal and published modifications).

NM_015898.4(ZBTB7A):c.1686T>G (p.Gly562=)

Gene: ZBTB7A (zinc finger and BTB domain containing 7A; minus strand). Cytogenetic location: 19p13.3.
Variant type: single nucleotide variant.
Coding change: c.1686T>G on transcript NM_015898.4 (MANE Select); coding-DNA position 1686, T replaced by G.
Protein change: p.Gly562=; no amino-acid change (glycine 562 retained).
Molecular consequence: synonymous variant.
Genome position (GRCh38, 1-based): chr19:4,047,821, A>C on the plus strand (T>G on the coding strand, the complement: ZBTB7A is on the minus strand). VCF-style: chr19-4047821-A-C. GRCh37 (hg19) VCF-style: chr19-4047819-A-C.
Other names: c.1686T>G, p.Gly562= (NM_001317990.2).
Identifiers: ClinVar variation 3350755 (VCV003350755.1).